The following is an entry in ClinVar:

ClinVar aggregate classification (germline): Uncertain significance (1 of 4 stars; one submission).

Conditions:
Primary dilated cardiomyopathy (DCM). Also called: Dilated Cardiomyopathy. Identifiers: Orphanet 217604, MedGen C0007193, MeSH D002311, MONDO:0005021, HP:0001644. Inheritance: Various modes of inheritance.

Submission:

Labcorp Genetics (formerly Invitae), Labcorp
Classification: Uncertain significance for Primary dilated cardiomyopathy. Last evaluated: 2022-03-08. Review status: criteria provided, single submitter. Criteria: Invitae Variant Classification Sherloc (09022015). Collection method: clinical testing. Allele origin: germline.
Comment: This sequence change replaces arginine, which is basic and polar, with glycine, which is neutral and non-polar, at codon 508 of the TXNRD2 protein (p.Arg508Gly). This variant is not present in population databases (gnomAD no frequency). This variant has not been reported in the literature in individuals affected with TXNRD2-related conditions. Algorithms developed to predict the effect of missense changes on protein structure and function (SIFT, PolyPhen-2, Align-GVGD) all suggest that this variant is likely to be tolerated. In summary, the available evidence is currently insufficient to determine the role of this variant in disease. Therefore, it has been classified as a Variant of Uncertain Significance.

NM_006440.5(TXNRD2):c.1522C>G (p.Arg508Gly)

Gene: TXNRD2 (thioredoxin reductase 2; minus strand). Cytogenetic location: 22q11.21.
Variant type: single nucleotide variant.
Coding change: c.1522C>G on transcript NM_006440.5 (MANE Select); coding-DNA position 1522, C replaced by G.
Protein change: p.Arg508Gly; replaces arginine 508 with glycine.
Molecular consequence: missense variant. On other transcripts: non-coding transcript variant (1).
Genome position (GRCh38, 1-based): chr22:19,877,158, G>C on the plus strand (C>G on the coding strand, the complement: TXNRD2 is on the minus strand). VCF-style: chr22-19877158-G-C. GRCh37 (hg19) VCF-style: chr22-19864681-G-C.
Other names: c.1519C>G, p.Arg507Gly (NM_001352300.2); c.1432C>G, p.Arg478Gly (NM_001352301.2); c.1234C>G, p.Arg412Gly (NM_001352302.2); short protein forms R412G, R507G, R478G, R508G.
Identifiers: ClinVar variation 1461793 (VCV001461793.8), dbSNP rs368176907, ClinGen allele CA410691516.